The following is an entry in ClinVar:

NM_000787.4(DBH):c.1002C>A (p.Tyr334Ter)

Gene: DBH (dopamine beta-hydroxylase; plus strand). Cytogenetic location: 9q34.2.
Variant type: single nucleotide variant.
Coding change: c.1002C>A on transcript NM_000787.4 (MANE Select); coding-DNA position 1002, C replaced by A.
Protein change: p.Tyr334Ter; replaces tyrosine 334 with a stop codon.
Molecular consequence: nonsense.
Genome position (GRCh38, 1-based): chr9:133,644,298, C>A. VCF-style: chr9-133644298-C-A. GRCh37 (hg19) VCF-style: chr9-136509420-C-A.
Other names: short protein forms Y334*.
Identifiers: ClinVar variation 2022460 (VCV002022460.4), dbSNP rs2538344277, ClinGen allele CA375415638.

ClinVar aggregate classification (germline): Pathogenic (1 of 4 stars; one submission).

Conditions:
Orthostatic hypotension 1 (ORTHYP1). Also called: Dopamine beta-hydroxylase deficiency; Orthostatic hypotension 1, due to DBH deficiency; NORADRENALINE DEFICIENCY; NOREPINEPHRINE DEFICIENCY. Identifiers: Orphanet 230, MedGen C4746777, MONDO:0009123, OMIM 223360.

Submission:

Labcorp Genetics (formerly Invitae), Labcorp
Classification: Pathogenic for Orthostatic hypotension 1. Last evaluated: 2022-10-14. Review status: criteria provided, single submitter. Criteria: Invitae Variant Classification Sherloc (09022015). Collection method: clinical testing. Allele origin: germline.
Comment: For these reasons, this variant has been classified as Pathogenic. Algorithms developed to predict the effect of sequence changes on RNA splicing suggest that this variant may disrupt the consensus splice site. This variant has not been reported in the literature in individuals affected with DBH-related conditions. This variant is not present in population databases (gnomAD no frequency). This sequence change creates a premature translational stop signal (p.Tyr334*) in the DBH gene. It is expected to result in an absent or disrupted protein product. Loss-of-function variants in DBH are known to be pathogenic (PMID: 7715704, 15060114).

Literature cited by the submitters: PubMed 7715704; PubMed 15060114.